The following is an entry in ClinVar:

NM_001267550.2(TTN):c.50355-15T>C

Genes: TTN-AS1 (TTN antisense RNA 1; plus strand), TTN (titin; minus strand). Cytogenetic location: 2q31.2.
Variant type: single nucleotide variant.
Coding change: c.50355-15T>C on transcript NM_001267550.2 (MANE Select); 15 bases into the intron before coding-DNA position 50355, T replaced by C.
Molecular consequence: intron variant.
Genome position (GRCh38, 1-based): chr2:178,611,969, A>G on the plus strand (T>C on the coding strand, the complement: TTN is on the minus strand). VCF-style: chr2-178611969-A-G. GRCh37 (hg19) VCF-style: chr2-179476696-A-G.
Other names: c.23160-15T>C (NM_003319.4); c.23736-15T>C (NM_133437.4); c.23535-15T>C (NM_133432.3); c.42651-15T>C (NM_133378.4); c.45432-15T>C (NM_001256850.1).
Identifiers: ClinVar variation 390453 (VCV000390453.14), dbSNP rs757425897, ClinGen allele CA1994380.
Genomic context (GRCh38, chr2:178,611,969, plus strand): 5'-TTTCACCCAACGGGTACCTAACCTTTCTTTCTTCTCAATGACATATCTATTGAAACAACA[A>G]AGCATTTCATTAGCATTAATGAAAAAACACAGTTAAGAATTTGCAGCCAAGTGTAAGTTA-3'

ClinVar aggregate classification (germline): Likely benign. Review status: criteria provided, multiple submitters, no conflicts (2 of 4 stars). 5 submissions from 5 submitters: Likely benign (2). 3 of the submissions do not count toward it. Last evaluated 2026-01-26.

Conditions:
Dilated cardiomyopathy 1G (CMD1G). Identifiers: Orphanet 154, MedGen C1858763, MONDO:0011400, OMIM 604145.
Autosomal recessive limb-girdle muscular dystrophy type 2J (LGMDR10). Also called: MUSCULAR DYSTROPHY, LIMB-GIRDLE, AUTOSOMAL RECESSIVE 10; Limb-girdle muscular dystrophy, type 2J. Identifiers: Orphanet 140922, MedGen C1837342, MONDO:0012127, OMIM 608807.

Allele frequency attached by ClinVar (database versions not stated): gnomAD 0.00003; TOPMed 0.00005.
gnomAD v4.1: 47 of 1,607,976 alleles (0.0029%); highest among the groups gnomAD compares: Admixed American, 0.0051%; no homozygotes.

Submissions (5):

Labcorp Genetics (formerly Invitae), Labcorp
Classification: Likely benign for Dilated cardiomyopathy 1G; Autosomal recessive limb-girdle muscular dystrophy type 2J. Last evaluated: 2026-01-26. Review status: criteria provided, single submitter. Criteria: Invitae Variant Classification Sherloc (09022015). Collection method: clinical testing. Allele origin: germline.

GeneDx
Classification: Likely benign. Last evaluated: 2017-05-16. Review status: criteria provided, single submitter. Criteria: GeneDx Variant Classification (06012015). Collection method: clinical testing. Allele origin: germline. Affected: yes.
Comment: This variant is considered likely benign or benign based on one or more of the following criteria: it is a conservative change, it occurs at a poorly conserved position in the protein, it is predicted to be benign by multiple in silico algorithms, and/or has population frequency not consistent with disease.

Clinical Genetics, Academic Medical Center
Classification: Benign. Review status: no assertion criteria provided. Collection method: clinical testing. Allele origin: germline. Affected: yes. Study: VKGL Data-share Consensus. Not counted in ClinVar's aggregate classification.

Diagnostic Laboratory, Department of Genetics, University Medical Center Groningen
Classification: Likely benign. Review status: no assertion criteria provided. Collection method: clinical testing. Allele origin: germline. Affected: yes. Study: VKGL Data-share Consensus. Not counted in ClinVar's aggregate classification.

Genome Diagnostics Laboratory, University Medical Center Utrecht
Classification: Likely benign. Review status: no assertion criteria provided. Collection method: clinical testing. Allele origin: germline. Affected: yes. Study: VKGL Data-share Consensus. Not counted in ClinVar's aggregate classification.